The following is an entry in ClinVar:

NM_022168.4(IFIH1):c.1524+5G>A

Gene: IFIH1 (interferon induced with helicase C domain 1; minus strand). Cytogenetic location: 2q24.2.
Variant type: single nucleotide variant.
Coding change: c.1524+5G>A on transcript NM_022168.4 (MANE Select); 5 bases into the intron after coding-DNA position 1524, G replaced by A.
Molecular consequence: intron variant.
Genome position (GRCh38, 1-based): chr2:162,281,323, C>T on the plus strand (G>A on the coding strand, the complement: IFIH1 is on the minus strand). VCF-style: chr2-162281323-C-T. GRCh37 (hg19) VCF-style: chr2-163137833-C-T.
Identifiers: ClinVar variation 2949097 (VCV002949097.3), dbSNP rs2468964010, ClinGen allele CA2740095777.

ClinVar aggregate classification (germline): Uncertain significance (1 of 4 stars; one submission).

Conditions:
Aicardi-Goutieres syndrome 7 (AGS7). Identifiers: Orphanet 51, MedGen C3888244, MONDO:0014367, OMIM 615846.
Singleton-Merten syndrome 1 (SGMRT1). Also called: Widened medullary cavities of bone, aortic calcification, abnormal dentition, and muscular weakness; Syndrome of widened medullary cavities of the metacarpals and phalanges, aortic calcification and abnormal dentition. Identifiers: Orphanet 85191, MedGen C4225427, MONDO:0024535, OMIM 182250.

Submission:

Labcorp Genetics (formerly Invitae), Labcorp
Classification: Uncertain significance for Aicardi-Goutieres syndrome 7; Singleton-Merten syndrome 1. Last evaluated: 2023-06-21. Review status: criteria provided, single submitter. Criteria: Invitae Variant Classification Sherloc (09022015). Collection method: clinical testing. Allele origin: germline.
Comment: This sequence change falls in intron 7 of the IFIH1 gene. It does not directly change the encoded amino acid sequence of the IFIH1 protein. It affects a nucleotide within the consensus splice site. This variant is not present in population databases (gnomAD no frequency). This variant has not been reported in the literature in individuals affected with IFIH1-related conditions. Variants that disrupt the consensus splice site are a relatively common cause of aberrant splicing (PMID: 17576681, 9536098). Algorithms developed to predict the effect of sequence changes on RNA splicing suggest that this variant may disrupt the consensus splice site. In summary, the available evidence is currently insufficient to determine the role of this variant in disease. Therefore, it has been classified as a Variant of Uncertain Significance.

Literature cited by the submitters: PubMed 17576681; PubMed 9536098.